The following is an entry in ClinVar:

ClinVar aggregate classification (germline): Benign. Review status: criteria provided, multiple submitters, no conflicts (2 of 4 stars). 9 submissions from 9 submitters: Benign (7). 2 of the submissions do not count toward it. Last evaluated 2026-02-04.

Conditions:
Cardiac arrhythmia. Also called: Arrhythmia; Cardiac rhythm disease. Identifiers: MedGen C0003811, MONDO:0007263, HP:0011675.
Long QT syndrome (LQTS). Identifiers: MedGen C0023976, MeSH D008133, MONDO:0002442. Disease mechanism: loss of function. Inheritance: Various modes of inheritance.
Cardiac arrhythmia, ankyrin-B-related. Also called: ANKYRIN-B SYNDROME. Identifiers: Orphanet 101016, Orphanet 768, MedGen C1970119, MONDO:0010958, OMIM 600919.

Allele frequency attached by ClinVar (database versions not stated): gnomAD 0.02751 and 0.02706; gnomAD exomes 0.03126 and 0.03449; ESP Exome Variant Server 0.02122; 1000 Genomes Project 30x 0.02530; 1000 Genomes Project 0.02536; TOPMed 0.02645; ExAC 0.03029.
gnomAD v4.1: 52,456 of 1,559,470 alleles (3.4%); highest among the groups gnomAD compares: East Asian, 5%; 1,006 homozygotes.

Submissions (9):

Labcorp Genetics (formerly Invitae), Labcorp
Classification: Benign for Long QT syndrome. Last evaluated: 2026-02-04. Review status: criteria provided, single submitter. Criteria: Invitae Variant Classification Sherloc (09022015). Collection method: clinical testing. Allele origin: germline.

Blueprint Genetics
Classification: Benign. Last evaluated: 2024-11-26. Review status: criteria provided, single submitter. Criteria: ACMG Guidelines, 2015. Collection method: clinical testing. Allele origin: germline.

Genome-Nilou Lab
Classification: Benign for Cardiac arrhythmia, ankyrin-B-related. Last evaluated: 2021-12-05. Review status: criteria provided, single submitter. Criteria: ACMG Guidelines, 2015. Collection method: clinical testing. Allele origin: germline. Affected: no.

Fulgent Genetics
Classification: Benign for Cardiac arrhythmia, ankyrin-B-related. Last evaluated: 2021-08-11. Review status: criteria provided, single submitter. Criteria: ACMG Guidelines, 2015. Collection method: clinical testing. Allele origin: unknown.

GeneDx
Classification: Benign. Last evaluated: 2015-03-03. Review status: criteria provided, single submitter. Criteria: GeneDx Variant Classification Process June 2021. Collection method: clinical testing. Allele origin: germline. Affected: yes.

Women's Health and Genetics/Laboratory Corporation of America, LabCorp
Classification: Benign for Arrhythmia. Last evaluated: 2011-08-18. Review status: criteria provided, single submitter. Criteria: LabCorp Variant Classification Summary - May 2015. Collection method: curation. Allele origin: germline. Inheritance: autosomal unknown. Affected: yes.
ClinVar note: Converted during submission from benign to Benign.

Breakthrough Genomics
Classification: Benign. Review status: criteria provided, single submitter. Criteria: ACMG Guidelines, 2015. Collection method: not provided. Allele origin: germline. Inheritance: Autosomal dominant inheritance. Affected: yes.

Clinical Genetics, Academic Medical Center
Classification: Benign. Review status: no assertion criteria provided. Collection method: clinical testing. Allele origin: germline. Affected: yes. Study: VKGL Data-share Consensus. Not counted in ClinVar's aggregate classification.

Joint Genome Diagnostic Labs from Nijmegen and Maastricht, Radboudumc and MUMC+
Classification: Benign. Review status: no assertion criteria provided. Collection method: clinical testing. Allele origin: germline. Affected: yes. Study: VKGL Data-share Consensus. Not counted in ClinVar's aggregate classification.

NM_001148.6(ANK2):c.384+19C>T

Gene: ANK2 (ankyrin 2; plus strand). Cytogenetic location: 4q25.
Variant type: single nucleotide variant.
Coding change: c.384+19C>T on transcript NM_001148.6 (MANE Select); 19 bases into the intron after coding-DNA position 384, C replaced by T.
Molecular consequence: intron variant.
Genome position (GRCh38, 1-based): chr4:113,199,128, C>T. VCF-style: chr4-113199128-C-T. GRCh37 (hg19) VCF-style: chr4-114120284-C-T.
Other names: c.372+19C>T (NM_001386186.2, NM_001386148.2, NM_001354269.3 and 1 more transcripts); c.366+19C>T (NM_001386147.1, NM_001386160.1, NM_001354261.2); c.321+19C>T (NM_001354254.2, NM_001354239.2, NM_001354252.2 and 33 more transcripts); c.429+19C>T (NM_001354241.2, NM_001386152.1, NM_001354237.2 and 5 more transcripts); c.384+19C>T (NM_001354225.2, NM_001354235.2, NM_001354246.2 and 9 more transcripts); c.435+19C>T (NM_001386174.1, NM_001386175.1).
Identifiers: ClinVar variation 35688 (VCV000035688.21), dbSNP rs45502093, ClinGen allele CA213526.